The following is an entry in ClinVar:

ClinVar aggregate classification (germline): Uncertain significance (1 of 4 stars; one submission).

gnomAD v4.1: 4 of 1,614,160 alleles (0.00025%); highest among the groups gnomAD compares: Non-Finnish European, 0.00034%; no homozygotes.

Submission:

Labcorp Genetics (formerly Invitae), Labcorp
Classification: Uncertain significance. Last evaluated: 2022-06-20. Review status: criteria provided, single submitter. Criteria: Invitae Variant Classification Sherloc (09022015). Collection method: clinical testing. Allele origin: germline.
Comment: In summary, the available evidence is currently insufficient to determine the role of this variant in disease. Therefore, it has been classified as a Variant of Uncertain Significance. Algorithms developed to predict the effect of missense changes on protein structure and function (SIFT, PolyPhen-2, Align-GVGD) all suggest that this variant is likely to be tolerated. ClinVar contains an entry for this variant (Variation ID: 1015317). This variant has not been reported in the literature in individuals affected with AHR-related conditions. This variant is not present in population databases (gnomAD no frequency). This sequence change replaces cysteine, which is neutral and slightly polar, with tyrosine, which is neutral and polar, at codon 714 of the AHR protein (p.Cys714Tyr).

NM_001621.5(AHR):c.2141G>A (p.Cys714Tyr)

Gene: AHR (aryl hydrocarbon receptor; plus strand). Cytogenetic location: 7p21.1.
Variant type: single nucleotide variant.
Coding change: c.2141G>A on transcript NM_001621.5 (MANE Select); coding-DNA position 2141, G replaced by A.
Protein change: p.Cys714Tyr; replaces cysteine 714 with tyrosine.
Molecular consequence: missense variant.
Genome position (GRCh38, 1-based): chr7:17,339,966, G>A. VCF-style: chr7-17339966-G-A. GRCh37 (hg19) VCF-style: chr7-17379590-G-A.
Other names: short protein forms C714Y.
Identifiers: ClinVar variation 1015317 (VCV001015317.8), dbSNP rs1481201448, ClinGen allele CA366896187.